The following is an entry in ClinVar:

ClinVar aggregate classification (germline): Uncertain significance (1 of 4 stars; one submission).

Conditions:
Malignant hyperthermia, susceptibility to, 1 (MHS1). Also called: Anesthesia related hyperthermia; Malignant hyperpyrexia; Fulminating hyperpyrexia; Pharmacogenic myopathy; RYR1-Related Malignant Hyperthermia Susceptibility; Malignant hyperthermia suceptibility 1. Identifiers: Orphanet 423, MedGen C2930980, MONDO:0007783, OMIM 145600.

Submission:

All of Us Research Program, National Institutes of Health
Classification: Uncertain significance for Malignant hyperthermia, susceptibility to, 1. Last evaluated: 2023-10-02. Review status: criteria provided, single submitter. Criteria: ACMG Guidelines, 2015. Collection method: clinical testing. Allele origin: germline. Inheritance: Autosomal dominant inheritance. Observed: 1 variant allele, 1 heterozygote.
Comment: This missense variant replaces glutamine with arginine at codon 1295 of the RYR1 protein. Computational prediction is inconclusive regarding the impact of this variant on protein structure and function (internally defined REVEL score threshold 0.5 < inconclusive < 0.7, PMID: 27666373). To our knowledge, functional studies have not been reported for this variant. This variant has not been reported in individuals affected with RYR1-related disorders in the literature. This variant has not been identified in the general population by the Genome Aggregation Database (gnomAD). The available evidence is insufficient to determine the role of this variant in disease conclusively. Therefore, this variant is classified as a Variant of Uncertain Significance.

This study involves interpretation of variants in research participants for the purpose of population health screening. Participant phenotype was not available at the time of variant classification. Additional details can be found in publication PMID: 35346344, PMCID: PMC8962531

NM_000540.3(RYR1):c.3884A>G (p.Gln1295Arg)

Gene: RYR1 (ryanodine receptor 1; plus strand). Cytogenetic location: 19q13.2.
Variant type: single nucleotide variant.
Coding change: c.3884A>G on transcript NM_000540.3 (MANE Select); coding-DNA position 3884, A replaced by G.
Protein change: p.Gln1295Arg; replaces glutamine 1295 with arginine.
Molecular consequence: missense variant.
Genome position (GRCh38, 1-based): chr19:38,473,495, A>G. VCF-style: chr19-38473495-A-G. GRCh37 (hg19) VCF-style: chr19-38964135-A-G.
Other names: c.3884A>G, p.Gln1295Arg (NM_001042723.2); short protein forms Q1295R.
Identifiers: ClinVar variation 3073527 (VCV003073527.1), dbSNP rs1968541295, ClinGen allele CA405641967.
Genomic context (GRCh38, chr19:38,473,495, plus strand): 5'-CCTGGGGCTCCCAGAACAGCCTGGTGGAGATGCTTTTCCTGCGGCTGAGCCTCCCAGTCC[A>G]GTTCCACCAGCACTTCCGCTGCACTGCAGGGGCCACCCCGCTGGCACCTCCTGGCCTGCA-3'
Protein context (NP_000531.2, residues 1285-1305): MLFLRLSLPV[Gln1295Arg]FHQHFRCTAG